The following is an entry in ClinVar:

NM_004655.4(AXIN2):c.794A>C (p.Glu265Ala)

Gene: AXIN2 (axin 2; minus strand). Cytogenetic location: 17q24.1.
Variant type: single nucleotide variant.
Coding change: c.794A>C on transcript NM_004655.4 (MANE Select); coding-DNA position 794, A replaced by C.
Protein change: p.Glu265Ala; replaces glutamic acid 265 with alanine.
Molecular consequence: missense variant.
Genome position (GRCh38, 1-based): chr17:65,557,827, T>G on the plus strand (A>C on the coding strand, the complement: AXIN2 is on the minus strand). VCF-style: chr17-65557827-T-G. GRCh37 (hg19) VCF-style: chr17-63553945-T-G.
Other names: c.794A>C, p.Glu265Ala (NM_001363813.1); short protein forms E265A.
Identifiers: ClinVar variation 844765 (VCV000844765.12), dbSNP rs2044291927, ClinGen allele CA400680246.

ClinVar aggregate classification (germline): Uncertain significance. Review status: criteria provided, multiple submitters, no conflicts (2 of 4 stars). 3 submissions from 3 submitters: Uncertain significance (3). Last evaluated 2025-05-05.

Conditions:
Hereditary cancer-predisposing syndrome. Also called: Tumor predisposition; Hereditary neoplastic syndrome; Neoplastic Syndromes, Hereditary; Hereditary Cancer Syndrome. Identifiers: Orphanet 140162, MedGen C0027672, MeSH D009386, MONDO:0015356.
Oligodontia-cancer predisposition syndrome. Also called: TOOTH AGENESIS-COLORECTAL CANCER SYNDROME. Identifiers: Orphanet 300576, MedGen C1837750, MONDO:0012075, OMIM 608615. Disease mechanism: loss of function.
Colorectal cancer. Also called: Malignant Colorectal Neoplasm; Colorectal cancer, somatic. Identifiers: MedGen C0346629, MONDO:0005575, OMIM 114500.

Submissions (3):

Labcorp Genetics (formerly Invitae), Labcorp
Classification: Uncertain significance for Oligodontia-cancer predisposition syndrome. Last evaluated: 2025-05-05. Review status: criteria provided, single submitter. Criteria: Invitae Variant Classification Sherloc (09022015). Collection method: clinical testing. Allele origin: germline.
Comment: This sequence change replaces glutamic acid, which is acidic and polar, with alanine, which is neutral and non-polar, at codon 265 of the AXIN2 protein (p.Glu265Ala). This variant is not present in population databases (gnomAD no frequency). This variant has not been reported in the literature in individuals affected with AXIN2-related conditions. ClinVar contains an entry for this variant (Variation ID: 844765). Invitae Evidence Modeling of protein sequence and biophysical properties (such as structural, functional, and spatial information, amino acid conservation, physicochemical variation, residue mobility, and thermodynamic stability) indicates that this missense variant is not expected to disrupt AXIN2 protein function with a negative predictive value of 80%. In summary, the available evidence is currently insufficient to determine the role of this variant in disease. Therefore, it has been classified as a Variant of Uncertain Significance.

Baylor Genetics
Classification: Uncertain significance for Colorectal cancer. Last evaluated: 2023-08-25. Review status: criteria provided, single submitter. Criteria: ACMG Guidelines, 2015. Collection method: clinical testing. Allele origin: unknown.

Sema4
Classification: Uncertain significance for Hereditary cancer-predisposing syndrome. Last evaluated: 2022-02-13. Review status: criteria provided, single submitter. Criteria: Sema4 Curation Guidelines. Collection method: curation. Allele origin: germline.
Comment: The AXIN2 c.794A>C (p.E265A) variant has not been reported in the literature to our knowledge. It was not observed in the large and broad cohorts ot the Genome Aggregation Database (PMID: 32461654). This variant has been reported in ClinVar (Variation ID 844765). Functional studies have not been performed, and in silico predictions of the variant's effect on protein function are inconclusive. The evidence is insufficient to meet ACMG/AMP criteria for classifying the variant as benign or pathogenic. Thus, the clinical significance of this variant is currently uncertain.